The following is an entry in ClinVar:

ClinVar aggregate classification (germline): Uncertain significance (1 of 4 stars; one submission).

Allele frequency attached by ClinVar (database versions not stated): TOPMed below 0.00001; gnomAD 0.00001; gnomAD exomes 0.00001.
gnomAD v4.1: 18 of 1,613,764 alleles (0.0011%); highest among the groups gnomAD compares: Non-Finnish European, 0.0015%; no homozygotes.

Submission:

Labcorp Genetics (formerly Invitae), Labcorp
Classification: Uncertain significance. Last evaluated: 2023-05-17. Review status: criteria provided, single submitter. Criteria: Invitae Variant Classification Sherloc (09022015). Collection method: clinical testing. Allele origin: germline.
Comment: This sequence change replaces lysine, which is basic and polar, with glutamic acid, which is acidic and polar, at codon 806 of the ATRN protein (p.Lys806Glu). This variant is present in population databases (no rsID available, gnomAD 0.0009%). This variant has not been reported in the literature in individuals affected with ATRN-related conditions. An algorithm developed to predict the effect of missense changes on protein structure and function (PolyPhen-2) suggests that this variant is likely to be tolerated. In summary, the available evidence is currently insufficient to determine the role of this variant in disease. Therefore, it has been classified as a Variant of Uncertain Significance.

NM_139321.3(ATRN):c.2416A>G (p.Lys806Glu)

Gene: ATRN (attractin; plus strand). Cytogenetic location: 20p13.
Variant type: single nucleotide variant.
Coding change: c.2416A>G on transcript NM_139321.3 (MANE Select); coding-DNA position 2416, A replaced by G.
Protein change: p.Lys806Glu; replaces lysine 806 with glutamic acid.
Molecular consequence: missense variant.
Genome position (GRCh38, 1-based): chr20:3,578,644, A>G. VCF-style: chr20-3578644-A-G. GRCh37 (hg19) VCF-style: chr20-3559291-A-G.
Other names: c.2068A>G, p.Lys690Glu (NM_001207047.3); c.2416A>G, p.Lys806Glu (NM_001323332.2, NM_139322.4); short protein forms K690E, K806E.
Identifiers: ClinVar variation 3003994 (VCV003003994.3), dbSNP rs1042354754, ClinGen allele CA310955983.
Genomic context (GRCh38, chr20:3,578,644, plus strand): 5'-AATATCTGTGGCATTGGCTGGCATTTGGTTGGAAACTCATGTTTGAAAATTACTACTGCC[A>G]AGGAGAATTATGACAATGCTAAATTGTTCTGTAGGAACCACAATGCCCTTTTGGCTTCTC-3'
Protein context (NP_647537.1, residues 796-816): GNSCLKITTA[Lys806Glu]ENYDNAKLFC